The following is an entry in ClinVar:

ClinVar aggregate classification (germline): Uncertain significance (1 of 4 stars; one submission).

Conditions:
Immunodeficiency 25. Also called: Immunodeficiency due to defect in cd3-zeta, somatic. Identifiers: MedGen C1857798, MONDO:0012426, OMIM 610163.

gnomAD v4.1: 7 of 1,614,070 alleles (0.00043%); highest among the groups gnomAD compares: South Asian, 0.0077%; no homozygotes.

Submission:

Labcorp Genetics (formerly Invitae), Labcorp
Classification: Uncertain significance for Immunodeficiency 25. Last evaluated: 2022-02-09. Review status: criteria provided, single submitter. Criteria: Invitae Variant Classification Sherloc (09022015). Collection method: clinical testing. Allele origin: germline.
Comment: In summary, the available evidence is currently insufficient to determine the role of this variant in disease. Therefore, it has been classified as a Variant of Uncertain Significance. Algorithms developed to predict the effect of missense changes on protein structure and function output the following: SIFT: "Tolerated"; PolyPhen-2: "Benign"; Align-GVGD: "Class C0". The alanine amino acid residue is found in multiple mammalian species, which suggests that this missense change does not adversely affect protein function. This variant has not been reported in the literature in individuals affected with CD247-related conditions. This variant is present in population databases (rs181746205, gnomAD 0.006%). This sequence change replaces aspartic acid, which is acidic and polar, with alanine, which is neutral and non-polar, at codon 84 of the CD247 protein (p.Asp84Ala).

NM_198053.3(CD247):c.251A>C (p.Asp84Ala)

Gene: CD247 (CD247 molecule; minus strand). Cytogenetic location: 1q24.2.
Variant type: single nucleotide variant.
Coding change: c.251A>C on transcript NM_198053.3 (MANE Select); coding-DNA position 251, A replaced by C.
Protein change: p.Asp84Ala; replaces aspartic acid 84 with alanine.
Molecular consequence: missense variant.
Genome position (GRCh38, 1-based): chr1:167,438,619, T>G on the plus strand (A>C on the coding strand, the complement: CD247 is on the minus strand). VCF-style: chr1-167438619-T-G. GRCh37 (hg19) VCF-style: chr1-167407856-T-G.
Other names: c.251A>C, p.Asp84Ala (NM_000734.4); c.344A>C, p.Asp115Ala (NM_001378515.1, NM_001378516.1); short protein forms D84A, D115A.
Identifiers: ClinVar variation 1516957 (VCV001516957.6), dbSNP rs181746205, ClinGen allele CA1226031.